The following is an entry in ClinVar:

NM_000057.4(BLM):c.2204C>T (p.Thr735Ile)

Gene: BLM (BLM RecQ like helicase; plus strand). Cytogenetic location: 15q26.1.
Variant type: single nucleotide variant.
Coding change: c.2204C>T on transcript NM_000057.4 (MANE Select); coding-DNA position 2204, C replaced by T.
Protein change: p.Thr735Ile; replaces threonine 735 with isoleucine.
Molecular consequence: missense variant.
Genome position (GRCh38, 1-based): chr15:90,766,920, C>T. VCF-style: chr15-90766920-C-T. GRCh37 (hg19) VCF-style: chr15-91310150-C-T.
Other names: c.2204C>T, p.Thr735Ile (NM_001287246.2, NM_001287247.2); c.1079C>T, p.Thr360Ile (NM_001287248.2); short protein forms T360I, T735I.
Identifiers: ClinVar variation 820880 (VCV000820880.9), dbSNP rs1596235743, ClinGen allele CA393844788.

ClinVar aggregate classification (germline): Uncertain significance. Review status: criteria provided, multiple submitters, no conflicts (2 of 4 stars). 2 submissions from 2 submitters: Uncertain significance (2). Last evaluated 2022-07-29.

Conditions:
Hereditary cancer-predisposing syndrome. Also called: Neoplastic Syndromes, Hereditary; Tumor predisposition; Hereditary Cancer Syndrome; Hereditary neoplastic syndrome. Identifiers: Orphanet 140162, MedGen C0027672, MeSH D009386, MONDO:0015356.
Bloom syndrome (BLM). Also called: Bloom-Torre-Machacek syndrome. Identifiers: Orphanet 125, MedGen C0005859, MONDO:0008876, OMIM 210900.

Submissions (2):

Labcorp Genetics (formerly Invitae), Labcorp
Classification: Uncertain significance for Bloom syndrome. Last evaluated: 2022-07-29. Review status: criteria provided, single submitter. Criteria: Invitae Variant Classification Sherloc (09022015). Collection method: clinical testing. Allele origin: germline.
Comment: This variant is not present in population databases (gnomAD no frequency). This variant has not been reported in the literature in individuals affected with BLM-related conditions. ClinVar contains an entry for this variant (Variation ID: 820880). This sequence change replaces threonine, which is neutral and polar, with isoleucine, which is neutral and non-polar, at codon 735 of the BLM protein (p.Thr735Ile). In summary, the available evidence is currently insufficient to determine the role of this variant in disease. Therefore, it has been classified as a Variant of Uncertain Significance. RNA analysis performed to evaluate the impact of this missense change on mRNA splicing indicates it does not significantly alter splicing (Invitae). Algorithms developed to predict the effect of missense changes on protein structure and function are either unavailable or do not agree on the potential impact of this missense change (SIFT: "Deleterious"; PolyPhen-2: "Probably Damaging"; Align-GVGD: "Class C0").

Ambry Genetics
Classification: Uncertain significance for Hereditary cancer-predisposing syndrome. Last evaluated: 2019-07-03. Review status: criteria provided, single submitter. Criteria: Ambry Variant Classification Scheme 2023. Collection method: clinical testing. Allele origin: germline.
Comment: The p.T735I variant (also known as c.2204C>T), located in coding exon 9 of the BLM gene, results from a C to T substitution at nucleotide position 2204. The threonine at codon 735 is replaced by isoleucine, an amino acid with similar properties. This amino acid position is highly conserved in available vertebrate species. In addition, this alteration is predicted to be deleterious by in silico analysis. Since supporting evidence is limited at this time, the clinical significance of this alteration remains unclear.